The following is an entry in ClinVar:

ClinVar aggregate classification (germline): Uncertain significance (1 of 4 stars; one submission).

Allele frequency attached by ClinVar (database versions not stated): gnomAD exomes below 0.00001.
gnomAD v4.1: 3 of 1,575,712 alleles (0.00019%); highest among the groups gnomAD compares: Non-Finnish European, 0.00017%; no homozygotes.

Submission:

GeneDx
Classification: Uncertain significance. Last evaluated: 2026-10-15. Review status: criteria provided, single submitter. Criteria: GeneDx Variant Classification Process June 2021. Collection method: clinical testing. Allele origin: germline.
Comment: Not observed at significant frequency in large population cohorts (gnomAD); In silico analysis suggests that this missense variant does not alter protein structure/function; Has not been previously published as pathogenic or benign to our knowledge

NM_001394372.1(BICRA):c.4438C>T (p.Pro1480Ser)

Gene: BICRA (BRD4 interacting chromatin remodeling complex associated protein; plus strand). Cytogenetic location: 19q13.33.
Variant type: single nucleotide variant.
Coding change: c.4438C>T on transcript NM_001394372.1 (MANE Select); coding-DNA position 4438, C replaced by T.
Protein change: p.Pro1480Ser; replaces proline 1480 with serine.
Molecular consequence: missense variant.
Genome position (GRCh38, 1-based): chr19:47,702,170, C>T. VCF-style: chr19-47702170-C-T. GRCh37 (hg19) VCF-style: chr19-48205427-C-T.
Other names: c.4438C>T, p.Pro1480Ser (NM_015711.3); short protein forms P1480S.
Identifiers: ClinVar variation 1700776 (VCV001700776.3), dbSNP rs2123618134, ClinGen allele CA406616644.